The following is an entry in ClinVar:

NM_002772.3(TMPRSS15):c.581C>T (p.Ala194Val)

Gene: TMPRSS15 (transmembrane serine protease 15; minus strand). Cytogenetic location: 21q21.1.
Variant type: single nucleotide variant.
Coding change: c.581C>T on transcript NM_002772.3 (MANE Select); coding-DNA position 581, C replaced by T.
Protein change: p.Ala194Val; replaces alanine 194 with valine.
Molecular consequence: missense variant.
Genome position (GRCh38, 1-based): chr21:18,372,276, G>A on the plus strand (C>T on the coding strand, the complement: TMPRSS15 is on the minus strand). VCF-style: chr21-18372276-G-A. GRCh37 (hg19) VCF-style: chr21-19744593-G-A.
Other names: c.716C>T, p.Ala239Val (NM_001428056.1); c.581C>T, p.Ala194Val (NM_001428057.1); short protein forms A194V, A239V.
Identifiers: ClinVar variation 4811284 (VCV004811284.1).

ClinVar aggregate classification (germline): Uncertain significance (1 of 4 stars; one submission).

gnomAD v4.1: 4 of 1,613,230 alleles (0.00025%); highest among the groups gnomAD compares: East Asian, 0.0089%; no homozygotes.

Submission:

Labcorp Genetics (formerly Invitae), Labcorp
Classification: Uncertain significance. Last evaluated: 2025-04-27. Review status: criteria provided, single submitter. Criteria: Invitae Variant Classification Sherloc (09022015). Collection method: clinical testing. Allele origin: germline.
Comment: This sequence change replaces alanine, which is neutral and non-polar, with valine, which is neutral and non-polar, at codon 194 of the TMPRSS15 protein (p.Ala194Val). This variant is present in population databases (rs751580110, gnomAD 0.006%). This variant has not been reported in the literature in individuals affected with TMPRSS15-related conditions. An algorithm developed to predict the effect of missense changes on protein structure and function (PolyPhen-2) suggests that this variant is likely to be tolerated. In summary, the available evidence is currently insufficient to determine the role of this variant in disease. Therefore, it has been classified as a Variant of Uncertain Significance.